The following is an entry in ClinVar:

ClinVar aggregate classification (germline): Uncertain significance (1 of 4 stars; one submission).

Allele frequency attached by ClinVar (database versions not stated): gnomAD exomes below 0.00001.
gnomAD v4.1: 2 of 1,609,464 alleles (0.00012%); highest among the groups gnomAD compares: Non-Finnish European, 0.00017%; no homozygotes.

Submission:

Ambry Genetics
Classification: Uncertain significance. Last evaluated: 2023-06-08. Review status: criteria provided, single submitter. Criteria: Ambry Variant Classification Scheme 2023. Collection method: clinical testing. Allele origin: germline.
Comment: The p.I275V variant (also known as c.823A>G), located in coding exon 3 of the TERF2IP gene, results from an A to G substitution at nucleotide position 823. The isoleucine at codon 275 is replaced by valine, an amino acid with highly similar properties. This amino acid position is conserved. In addition, this alteration is predicted to be tolerated by in silico analysis. Since supporting evidence is limited at this time, the clinical significance of this alteration remains unclear.

NM_018975.4(TERF2IP):c.823A>G (p.Ile275Val)

Gene: TERF2IP (TERF2 interacting protein; plus strand). Cytogenetic location: 16q23.1.
Variant type: single nucleotide variant.
Coding change: c.823A>G on transcript NM_018975.4 (MANE Select); coding-DNA position 823, A replaced by G.
Protein change: p.Ile275Val; replaces isoleucine 275 with valine.
Molecular consequence: missense variant. On other transcripts: non-coding transcript variant (1).
Genome position (GRCh38, 1-based): chr16:75,656,234, A>G. VCF-style: chr16-75656234-A-G. GRCh37 (hg19) VCF-style: chr16-75690132-A-G.
Other names: short protein forms I275V.
Identifiers: ClinVar variation 2561642 (VCV002561642.2), dbSNP rs2507089186, ClinGen allele CA396819656.
Genomic context (GRCh38, chr16:75,656,234, plus strand): 5'-TTAGGAGCTGGTTTTACTCATCATTCTGTCTAGGTGGATGAGAGCCCTCCTGATTTTGAA[A>G]TACATATAACTATGTGTGATGATGATCCACCCACACCTGAGGAAGACTCAGAAACACAGC-3'
Protein context (NP_061848.2, residues 265-285): VVDESPPDFE[Ile275Val]HITMCDDDPP